The following is an entry in ClinVar:

ClinVar aggregate classification (germline): Uncertain significance. Review status: criteria provided, multiple submitters, no conflicts (2 of 4 stars). 2 submissions from 2 submitters: Uncertain significance (2). Last evaluated 2024-06-04.

Conditions:
Hereditary cancer-predisposing syndrome. Also called: Hereditary Cancer Syndrome; Neoplastic Syndromes, Hereditary; Tumor predisposition; Hereditary neoplastic syndrome. Identifiers: Orphanet 140162, MedGen C0027672, MeSH D009386, MONDO:0015356.
Familial adenomatous polyposis 1 (FAP1). Also called: FAMILIAL ADENOMATOUS POLYPOSIS 1, ATTENUATED; POLYPOSIS, ADENOMATOUS INTESTINAL. Identifiers: MedGen C2713442, MONDO:0021056, OMIM 175100. Disease mechanism: loss of function.

gnomAD v4.1: 2 of 1,614,164 alleles (0.00012%); highest among the groups gnomAD compares: Non-Finnish European, 0.00017%; no homozygotes.

Submissions (2):

Labcorp Genetics (formerly Invitae), Labcorp
Classification: Uncertain significance for Familial adenomatous polyposis 1. Last evaluated: 2024-06-04. Review status: criteria provided, single submitter. Criteria: Invitae Variant Classification Sherloc (09022015). Collection method: clinical testing. Allele origin: germline.
Comment: This sequence change replaces aspartic acid, which is acidic and polar, with glycine, which is neutral and non-polar, at codon 1637 of the APC protein (p.Asp1637Gly). This variant is not present in population databases (gnomAD no frequency). This variant has not been reported in the literature in individuals affected with APC-related conditions. ClinVar contains an entry for this variant (Variation ID: 1744053). Advanced modeling of protein sequence and biophysical properties (such as structural, functional, and spatial information, amino acid conservation, physicochemical variation, residue mobility, and thermodynamic stability) performed at Invitae indicates that this missense variant is not expected to disrupt APC protein function with a negative predictive value of 95%. In summary, the available evidence is currently insufficient to determine the role of this variant in disease. Therefore, it has been classified as a Variant of Uncertain Significance.

Ambry Genetics
Classification: Uncertain significance for Hereditary cancer-predisposing syndrome. Last evaluated: 2022-03-24. Review status: criteria provided, single submitter. Criteria: Ambry Variant Classification Scheme 2023. Collection method: clinical testing. Allele origin: germline.
Comment: The p.D1637G variant (also known as c.4910A>G), located in coding exon 15 of the APC gene, results from an A to G substitution at nucleotide position 4910. The aspartic acid at codon 1637 is replaced by glycine, an amino acid with similar properties. This amino acid position is conserved. In addition, in silico predictors for this gene do not accurately predict pathogenicity. Since supporting evidence is limited at this time, the clinical significance of this alteration remains unclear.

NM_000038.6(APC):c.4910A>G (p.Asp1637Gly)

Gene: APC (APC regulator of Wnt signaling pathway; plus strand). Cytogenetic location: 5q22.2.
Variant type: single nucleotide variant.
Coding change: c.4910A>G on transcript NM_000038.6 (MANE Select); coding-DNA position 4910, A replaced by G.
Protein change: p.Asp1637Gly; replaces aspartic acid 1637 with glycine.
Molecular consequence: missense variant.
Genome position (GRCh38, 1-based): chr5:112,840,504, A>G. VCF-style: chr5-112840504-A-G. GRCh37 (hg19) VCF-style: chr5-112176201-A-G.
Other names: c.4910A>G, p.Asp1637Gly (NM_001127510.3, NM_001354895.2, NM_001407450.1); c.4856A>G, p.Asp1619Gly (NM_001127511.3); c.4964A>G, p.Asp1655Gly (NM_001354896.2, NM_001407447.1, NM_001407448.1 and 1 more transcripts); c.4940A>G, p.Asp1647Gly (NM_001354897.2); c.4835A>G, p.Asp1612Gly (NM_001354898.2); c.4826A>G, p.Asp1609Gly (NM_001354899.2); c.4787A>G, p.Asp1596Gly (NM_001354900.2); c.4733A>G, p.Asp1578Gly (NM_001354901.2, NM_001407453.1); and 11 more; short protein forms D1511G, D1536G, D1554G, D1578G, D1596G, D1627G, D1637G, D1647G.
Identifiers: ClinVar variation 1744053 (VCV001744053.4), dbSNP rs2533607940, ClinGen allele CA16032088.